The following is an entry in ClinVar:

NM_000548.5(TSC2):c.2221-169C>T

Gene: TSC2 (TSC complex subunit 2; plus strand). Cytogenetic location: 16p13.3.
Variant type: single nucleotide variant.
Coding change: c.2221-169C>T on transcript NM_000548.5 (MANE Select); 169 bases into the intron before coding-DNA position 2221, C replaced by T.
Molecular consequence: intron variant.
Genome position (GRCh38, 1-based): chr16:2,072,680, C>T. VCF-style: chr16-2072680-C-T. GRCh37 (hg19) VCF-style: chr16-2122681-C-T.
Other names: c.2221-169C>T (NM_001114382.3, NM_021055.3, NM_001370405.1 and 3 more transcripts); c.2110-169C>T (NM_001318827.2); c.1621-169C>T (NM_001318831.2); c.2074-169C>T (NM_001318829.2); c.2254-169C>T (NM_001318832.2).
Identifiers: ClinVar variation 2108085 (VCV002108085.4), dbSNP rs2543752790, ClinGen allele CA2580090815.

ClinVar aggregate classification (germline): Uncertain significance (1 of 4 stars; one submission).

Conditions:
Tuberous sclerosis 2 (TSC2). Identifiers: Orphanet 805, MedGen C1860707, MONDO:0013199, OMIM 613254.

Submission:

Labcorp Genetics (formerly Invitae), Labcorp
Classification: Uncertain significance for Tuberous sclerosis 2. Last evaluated: 2024-04-30. Review status: criteria provided, single submitter. Criteria: Invitae Variant Classification Sherloc (09022015). Collection method: clinical testing. Allele origin: germline.
Comment: This sequence change falls in intron 20 of the TSC2 gene. It does not directly change the encoded amino acid sequence of the TSC2 protein. RNA analysis indicates that this variant induces altered splicing and may result in an absent or disrupted protein product. This variant is not present in population databases (gnomAD no frequency). This variant has not been reported in the literature in individuals affected with TSC2-related conditions. ClinVar contains an entry for this variant (Variation ID: 2108085). Studies have shown that this variant results in inclusion of a cryptic exon and introduces a premature termination codon (Invitae). The resulting mRNA is expected to undergo nonsense-mediated decay. In summary, the available evidence is currently insufficient to determine the role of this variant in disease. Therefore, it has been classified as a Variant of Uncertain Significance.